The following is an entry in ClinVar:

NM_014844.5(TECPR2):c.529del (p.Gln177fs)

Gene: TECPR2 (tectonin beta-propeller repeat containing 2; plus strand). Cytogenetic location: 14q32.31.
Variant type: Deletion.
Coding change: c.529del on transcript NM_014844.5 (MANE Select); coding-DNA position 529, one base deleted (C; older notation c.529delC).
Protein change: p.Gln177fs; shifts the reading frame from glutamine 177.
Molecular consequence: frameshift variant.
Genome position (GRCh38, 1-based): chr14:102,414,684, C deleted. VCF-style (leftmost placement, unchanged base first): chr14-102414683-GC-G. GRCh37 (hg19) VCF-style: chr14-102881020-GC-G.
Other names: c.529del, p.Gln177fs (NM_001172631.3); short protein forms Q177fs.
Identifiers: ClinVar variation 4815753 (VCV004815753.1).

ClinVar aggregate classification (germline): Likely pathogenic (1 of 4 stars; one submission).

Conditions:
Hereditary spastic paraplegia 49 (HSAN9). Also called: TECPR2-Related Hereditary Sensory and Autonomic Neuropathy with Intellectual Disability; Spastic paraplegia 49, autosomal recessive; NEUROPATHY, HEREDITARY SENSORY AND AUTONOMIC, TYPE IX, WITH DEVELOPMENTAL DELAY. Identifiers: Orphanet 320385, MedGen C5190860, MONDO:0014016, OMIM 615031.

Submission:

Natera, Inc.
Classification: Likely pathogenic for Autosomal recessive spastic paraplegia type 49. Last evaluated: 2025-09-05. Review status: criteria provided, single submitter. Criteria: Natera Variant Classification Schema (03/2026). Collection method: clinical testing. Allele origin: germline.
Comment: The c.529del variant in TECPR2 is a frameshift variant predicted to shift the reading frame beginning at codon 177 and leads to a stop codon 27 codons downstream. This variant is expected to result in nonsense mediated decay, truncation, or a dysfunctional protein product. This variant is rare in the general population with a frequency below the threshold expected for the associated phenotype(s). Given the available evidence, this variant is classified as Likely Pathogenic.